The following is an entry in ClinVar:

NM_033380.3(COL4A5):c.781-2A>T

Gene: COL4A5 (collagen type IV alpha 5 chain; plus strand). Cytogenetic location: Xq22.3.
Variant type: single nucleotide variant.
Coding change: c.781-2A>T on transcript NM_033380.3 (MANE Select); the canonical splice acceptor site of the intron before coding-DNA position 781, A replaced by T.
Molecular consequence: splice acceptor variant.
Genome position (GRCh38, 1-based): chrX:108,580,531, A>T. VCF-style: chrX-108580531-A-T. GRCh37 (hg19) VCF-style: chrX-107823761-A-T.
Other names: c.781-2A>T (NM_000495.5).
Identifiers: ClinVar variation 4993339 (VCV004993339.1).

ClinVar aggregate classification (germline): Likely pathogenic (1 of 4 stars; one submission).

Conditions:
COL4A5-related disorder. Also called: COL4A5-related condition.

Submission:

PreventionGenetics, part of Exact Sciences
Classification: Likely pathogenic for COL4A5-related condition. Last evaluated: 2026-02-10. Review status: criteria provided, single submitter. Criteria: ACMG Guidelines, 2015. Collection method: clinical testing. Allele origin: germline.
Comment: The COL4A5 c.781-2A>T variant is predicted to disrupt the AG splice acceptor site and interfere with normal splicing. To our knowledge, this variant has not been reported in the literature or in a large population database (gnomAD), indicating this variant is rare. Variants that disrupt the consensus splice acceptor site in COL4A5 are expected to be pathogenic. This variant is interpreted as likely pathogenic.